The following is an entry in ClinVar:

ClinVar aggregate classification (germline): Uncertain significance (1 of 4 stars; one submission).

Conditions:
Cardiovascular phenotype. Identifiers: MedGen CN230736.

Allele frequency attached by ClinVar (database versions not stated): TOPMed below 0.00001; gnomAD 0.00001; gnomAD exomes 0.00001.
gnomAD v4.1: 4 of 1,550,058 alleles (0.00026%); highest among the groups gnomAD compares: African/African-American, 0.0041%; no homozygotes.

Submission:

Ambry Genetics
Classification: Uncertain significance for Cardiovascular phenotype. Last evaluated: 2022-04-25. Review status: criteria provided, single submitter. Criteria: Ambry Variant Classification Scheme 2023. Collection method: clinical testing. Allele origin: germline.
Comment: The p.G3494R variant (also known as c.10480G>A), located in coding exon 2 of the ZNF469 gene, results from a G to A substitution at nucleotide position 10480. The glycine at codon 3494 is replaced by arginine, an amino acid with dissimilar properties. This amino acid position is conserved. In addition, this alteration is predicted to be tolerated by in silico analysis. Since supporting evidence is limited at this time, the clinical significance of this alteration remains unclear.

NM_001367624.2(ZNF469):c.10564G>A (p.Gly3522Arg)

Gene: ZNF469 (zinc finger protein 469; plus strand). Cytogenetic location: 16q24.2.
Variant type: single nucleotide variant.
Coding change: c.10564G>A on transcript NM_001367624.2 (MANE Select); coding-DNA position 10564, G replaced by A.
Protein change: p.Gly3522Arg; replaces glycine 3522 with arginine.
Molecular consequence: missense variant.
Genome position (GRCh38, 1-based): chr16:88,438,034, G>A. VCF-style: chr16-88438034-G-A. GRCh37 (hg19) VCF-style: chr16-88504442-G-A.
Other names: NM_001127464.1:c.10480G>A; short protein forms G3522R.
Identifiers: ClinVar variation 1775899 (VCV001775899.2), dbSNP rs1196161591, ClinGen allele CA397127231.